The following is an entry in ClinVar:

NM_001379500.1(COL18A1):c.107-12363G>A

Gene: COL18A1 (collagen type XVIII alpha 1 chain; plus strand). Cytogenetic location: 21q22.3.
Variant type: single nucleotide variant.
Coding change: c.107-12363G>A on transcript NM_001379500.1 (MANE Select); 12363 bases into the intron before coding-DNA position 107, G replaced by A.
Molecular consequence: intron variant. On other transcripts: missense variant (2).
Genome position (GRCh38, 1-based): chr21:45,455,879, G>A. VCF-style: chr21-45455879-G-A. GRCh37 (hg19) VCF-style: chr21-46875793-G-A.
Other names: c.349G>A, p.Val117Met (NM_030582.4, NM_130444.3); c.349G>A (NM_030582.3); short protein forms V117M.
Identifiers: ClinVar variation 1437164 (VCV001437164.4), dbSNP rs557923229, ClinGen allele CA10065449.

ClinVar aggregate classification (germline): Uncertain significance. Review status: criteria provided, multiple submitters, no conflicts (2 of 4 stars). 2 submissions from 2 submitters: Uncertain significance (2). Last evaluated 2025-12-23.

Conditions:
COL18A1-related disorder. Also called: COL18A1-related disorders; COL18A1-related condition.

Allele frequency attached by ClinVar (database versions not stated): ExAC 0.00003; gnomAD exomes 0.00004; gnomAD 0.00005; 1000 Genomes Project 30x 0.00016; 1000 Genomes Project 0.00020.
gnomAD v4.1: 147 of 1,613,088 alleles (0.0091%); highest among the groups gnomAD compares: Non-Finnish European, 0.011%; no homozygotes.

Submissions (2):

PreventionGenetics, part of Exact Sciences
Classification: Uncertain significance for COL18A1-related condition. Last evaluated: 2025-12-23. Review status: criteria provided, single submitter. Criteria: ACMG Guidelines, 2015. Collection method: clinical testing. Allele origin: germline.
Comment: The COL18A1 c.349G>A variant is predicted to result in the amino acid substitution p.Val117Met. In the primary transcript (NM_001379500.1), this variant is found within an intronic region (c.107-12363G>A). To our knowledge, this variant has not been reported in the literature. This variant is present in 0.0098% of alleles in individuals of South Asian descent in gnomAD. At this time, the clinical significance of this variant is uncertain due to the absence of conclusive functional and genetic evidence.

Labcorp Genetics (formerly Invitae), Labcorp
Classification: Uncertain significance. Last evaluated: 2022-02-02. Review status: criteria provided, single submitter. Criteria: Invitae Variant Classification Sherloc (09022015). Collection method: clinical testing. Allele origin: germline.
Comment: The COL18A1 gene has multiple clinically relevant transcripts. This variant occurs in alternate transcript NM_030582.3, and corresponds to NM_130445.3:c.107-12363G>A in the primary transcript. This sequence change replaces valine, which is neutral and non-polar, with methionine, which is neutral and non-polar, at codon 117 of the COL18A1 protein (p.Val117Met). This variant is present in population databases (rs557923229, gnomAD 0.01%). This variant has not been reported in the literature in individuals affected with COL18A1-related conditions. Experimental studies and prediction algorithms are not available or were not evaluated, and the functional significance of this variant is currently unknown. In summary, the available evidence is currently insufficient to determine the role of this variant in disease. Therefore, it has been classified as a Variant of Uncertain Significance.